The following is an entry in ClinVar:

ClinVar aggregate classification (germline): Uncertain significance (1 of 4 stars; one submission).

Allele frequency attached by ClinVar (database versions not stated): gnomAD exomes 0.00001; TOPMed 0.00001.
gnomAD v4.1: 16 of 1,598,746 alleles (0.001%); highest among the groups gnomAD compares: Non-Finnish European, 0.0012%; no homozygotes.

Submission:

Labcorp Genetics (formerly Invitae), Labcorp
Classification: Uncertain significance. Last evaluated: 2022-04-07. Review status: criteria provided, single submitter. Criteria: Invitae Variant Classification Sherloc (09022015). Collection method: clinical testing. Allele origin: germline.
Comment: This sequence change falls in intron 4 of the ALDH3A2 gene. It does not directly change the encoded amino acid sequence of the ALDH3A2 protein. It affects a nucleotide within the consensus splice site. This variant is not present in population databases (gnomAD no frequency). This variant has not been reported in the literature in individuals affected with ALDH3A2-related conditions. Variants that disrupt the consensus splice site are a relatively common cause of aberrant splicing (PMID: 17576681, 9536098). Algorithms developed to predict the effect of sequence changes on RNA splicing suggest that this variant is not likely to affect RNA splicing. In summary, the available evidence is currently insufficient to determine the role of this variant in disease. Therefore, it has been classified as a Variant of Uncertain Significance.

Literature cited by the submitters: PubMed 17576681; PubMed 9536098.

NM_000382.3(ALDH3A2):c.681-3C>T

Gene: ALDH3A2 (aldehyde dehydrogenase 3 family member A2; plus strand). Cytogenetic location: 17p11.2.
Variant type: single nucleotide variant.
Coding change: c.681-3C>T on transcript NM_000382.3 (MANE Select); 3 bases into the intron before coding-DNA position 681, C replaced by T.
Molecular consequence: intron variant.
Genome position (GRCh38, 1-based): chr17:19,657,742, C>T. VCF-style: chr17-19657742-C-T. GRCh37 (hg19) VCF-style: chr17-19561055-C-T.
Other names: c.102-3C>T (NM_001369148.2); c.681-3C>T (NM_001369137.2, NM_001369138.2, NM_001369146.2 and 3 more transcripts).
Identifiers: ClinVar variation 2416540 (VCV002416540.3), dbSNP rs1371817114, ClinGen allele CA726768408.